The following is an entry in ClinVar:

NM_001318852.2(MAPK8IP3):c.2496C>T (p.Asp832=)

Gene: MAPK8IP3 (mitogen-activated protein kinase 8 interacting protein 3; plus strand). Cytogenetic location: 16p13.3.
Variant type: single nucleotide variant.
Coding change: c.2496C>T on transcript NM_001318852.2 (MANE Select); coding-DNA position 2496, C replaced by T.
Protein change: p.Asp832=; no amino-acid change (aspartic acid 832 retained).
Molecular consequence: synonymous variant.
Genome position (GRCh38, 1-based): chr16:1,766,009, C>T. VCF-style: chr16-1766009-C-T. GRCh37 (hg19) VCF-style: chr16-1816010-C-T.
Other names: c.2475C>T, p.Asp825= (NM_001040439.2); c.2493C>T, p.Asp831= (NM_015133.5, NM_033392.3).
Identifiers: ClinVar variation 2645927 (VCV002645927.24), dbSNP rs534690085, ClinGen allele CA7817312.
Genomic context (GRCh38, chr16:1,766,009, plus strand): 5'-CCTCTCCCCAGCGGCCAGCGACAGCGACTACCCTCCCGGGGAGATGTTCCTGGACAGCGA[C>T]GTGAACCCAGAGGACCCGGGCGCAGATGGCGTGCTGGCCGGTATCACCCTGGTGGGCTGT-3'
Protein context (NP_001305781.1, residues 822-842): YPPGEMFLDS[Asp832=]VNPEDPGADG

ClinVar aggregate classification (germline): Likely benign (1 of 4 stars; one submission).

Allele frequency attached by ClinVar (database versions not stated): TOPMed 0.00002; gnomAD 0.00005; 1000 Genomes Project 30x 0.00016; 1000 Genomes Project 0.00020.
gnomAD v4.1: 60 of 1,612,812 alleles (0.0037%); highest among the groups gnomAD compares: Admixed American, 0.017%; no homozygotes.

Submission:

CeGaT Center for Human Genetics Tuebingen
Classification: Likely benign. Last evaluated: 2022-08-01. Review status: criteria provided, single submitter. Criteria: CeGaT Center For Human Genetics Tuebingen Variant Classification Criteria Version 2. Collection method: clinical testing. Allele origin: germline. Affected: yes. Observed: 1 variant allele.
Comment: MAPK8IP3: BP4, BP7